The following is an entry in ClinVar:

NM_175875.5(SIX5):c.1049T>C (p.Leu350Pro)

Genes: SIX5 (SIX homeobox 5; minus strand), LOC107075317 (origin of replication in DMPK trinucleotide repeat region; plus strand). Cytogenetic location: 19q13.32.
Variant type: single nucleotide variant.
Coding change: c.1049T>C on transcript NM_175875.5 (MANE Select); coding-DNA position 1049, T replaced by C.
Protein change: p.Leu350Pro; replaces leucine 350 with proline.
Molecular consequence: missense variant.
Genome position (GRCh38, 1-based): chr19:45,766,910, A>G on the plus strand (T>C on the coding strand, the complement: SIX5 is on the minus strand). VCF-style: chr19-45766910-A-G. GRCh37 (hg19) VCF-style: chr19-46270168-A-G.
Other names: short protein forms L350P.
Identifiers: ClinVar variation 1908764 (VCV001908764.6), dbSNP rs2513601300, ClinGen allele CA406419748.

ClinVar aggregate classification (germline): Uncertain significance. Review status: criteria provided, multiple submitters, no conflicts (2 of 4 stars). 2 submissions from 2 submitters: Uncertain significance (2). Last evaluated 2024-03-13.

Conditions:
Branchiootorenal syndrome 2 (BOR2). Identifiers: Orphanet 107, MedGen C1970479, MONDO:0012575, OMIM 610896.

Allele frequency attached by ClinVar (database versions not stated): gnomAD exomes below 0.00001.
gnomAD v4.1: 4 of 1,556,988 alleles (0.00026%); highest among the groups gnomAD compares: Non-Finnish European, 0.00035%; no homozygotes.

Submissions (2):

Fulgent Genetics
Classification: Uncertain significance for Branchiootorenal syndrome 2. Last evaluated: 2024-03-13. Review status: criteria provided, single submitter. Criteria: ACMG Guidelines, 2015. Collection method: clinical testing. Allele origin: germline.

Labcorp Genetics (formerly Invitae), Labcorp
Classification: Uncertain significance. Last evaluated: 2022-11-24. Review status: criteria provided, single submitter. Criteria: Invitae Variant Classification Sherloc (09022015). Collection method: clinical testing. Allele origin: germline.
Comment: This sequence change replaces leucine, which is neutral and non-polar, with proline, which is neutral and non-polar, at codon 350 of the SIX5 protein (p.Leu350Pro). This variant is not present in population databases (gnomAD no frequency). This variant has not been reported in the literature in individuals affected with SIX5-related conditions. Advanced modeling of protein sequence and biophysical properties (such as structural, functional, and spatial information, amino acid conservation, physicochemical variation, residue mobility, and thermodynamic stability) performed at Invitae indicates that this missense variant is not expected to disrupt SIX5 protein function. In summary, the available evidence is currently insufficient to determine the role of this variant in disease. Therefore, it has been classified as a Variant of Uncertain Significance.